The following is an entry in ClinVar:

ClinVar aggregate classification (germline): Pathogenic (1 of 4 stars; one submission).

Submission:

Athena Diagnostics
Classification: Pathogenic. Last evaluated: 2023-01-05. Review status: criteria provided, single submitter. Criteria: Athena Diagnostics Criteria. Collection method: clinical testing. Allele origin: unknown.
Comment: This variant is expected to result in the loss of a functional protein. Similar variants have not been reported in large, multi-ethnic general populations (Genome Aggregation Database (gnomAD), Cambridge, MA (URL)). A similar deletion of exons 31-50 has been identified in at least one male with DMD.

Literature cited by the submitters: PubMed 31705731; PubMed 32194622.

Single allele

Gene: DMD (dystrophin; minus strand). Cytogenetic location: Xp21.1.
Variant type: Deletion.
Identifiers: ClinVar variation 2684127 (VCV002684127.1).